The following is an entry in ClinVar:

ClinVar aggregate classification (germline): Uncertain significance (1 of 4 stars; one submission).

Conditions:
Congenital contractural arachnodactyly (CCA). Also called: Beals-Hecht syndrome; BEALS SYNDROME; Arthrogryposis, distal, type 9. Identifiers: Orphanet 115, MedGen C0220668, MONDO:0007363, OMIM 121050.

gnomAD v4.1: 1 of 1,614,022 alleles (0.000062%); highest among the groups gnomAD compares: Non-Finnish European, 0.000085%; no homozygotes.

Submission:

MVZ Medizinische Genetik Mainz
Classification: Uncertain significance for Congenital contractural arachnodactyly. Last evaluated: 2026-06-17. Review status: criteria provided, single submitter. Criteria: UK Practice Guidelines For Variant Classification V4 01 2020. Collection method: clinical testing. Allele origin: germline. Inheritance: Autosomal dominant inheritance. Affected: yes. Observed: 1 variant allele.
Comment: ACMG Criteria: PM5,PP3_MOD

NM_001999.4(FBN2):c.3526A>G (p.Asn1176Asp)

Gene: FBN2 (fibrillin 2; minus strand). Cytogenetic location: 5q23.3.
Variant type: single nucleotide variant.
Coding change: c.3526A>G on transcript NM_001999.4 (MANE Select); coding-DNA position 3526, A replaced by G.
Protein change: p.Asn1176Asp; replaces asparagine 1176 with aspartic acid.
Molecular consequence: missense variant.
Genome position (GRCh38, 1-based): chr5:128,338,069, T>C on the plus strand (A>G on the coding strand, the complement: FBN2 is on the minus strand). VCF-style: chr5-128338069-T-C. GRCh37 (hg19) VCF-style: chr5-127673761-T-C.
Other names: short protein forms N1176D.
Identifiers: ClinVar variation 4879837 (VCV004879837.1).